The following is an entry in ClinVar:

ClinVar aggregate classification (germline): Likely benign. Review status: criteria provided, multiple submitters, no conflicts (2 of 4 stars). 2 submissions from 2 submitters: Likely benign (2). Last evaluated 2025-07-27.

Conditions:
Dilated cardiomyopathy 1G (CMD1G). Identifiers: Orphanet 154, MedGen C1858763, MONDO:0011400, OMIM 604145.
Autosomal recessive limb-girdle muscular dystrophy type 2J (LGMDR10). Also called: Limb-girdle muscular dystrophy, type 2J; MUSCULAR DYSTROPHY, LIMB-GIRDLE, AUTOSOMAL RECESSIVE 10. Identifiers: Orphanet 140922, MedGen C1837342, MONDO:0012127, OMIM 608807.

Allele frequency attached by ClinVar (database versions not stated): gnomAD exomes below 0.00001; TOPMed below 0.00001.
gnomAD v4.1: 1 of 1,588,332 alleles (0.000063%); highest among the groups gnomAD compares: Non-Finnish European, 0.000085%; no homozygotes.

Submissions (2):

Labcorp Genetics (formerly Invitae), Labcorp
Classification: Likely benign for Dilated cardiomyopathy 1G; Autosomal recessive limb-girdle muscular dystrophy type 2J. Last evaluated: 2025-07-27. Review status: criteria provided, single submitter. Criteria: Invitae Variant Classification Sherloc (09022015). Collection method: clinical testing. Allele origin: germline.

GeneDx
Classification: Likely benign. Last evaluated: 2016-03-14. Review status: criteria provided, single submitter. Criteria: GeneDx Variant Classification (06012015). Collection method: clinical testing. Allele origin: germline. Affected: yes.
Comment: This variant is considered likely benign or benign based on one or more of the following criteria: it is a conservative change, it occurs at a poorly conserved position in the protein, it is predicted to be benign by multiple in silico algorithms, and/or has population frequency not consistent with disease.

NM_001267550.2(TTN):c.44155-10G>C

Gene: TTN (titin; minus strand). Cytogenetic location: 2q31.2.
Variant type: single nucleotide variant.
Coding change: c.44155-10G>C on transcript NM_001267550.2 (MANE Select); 10 bases into the intron before coding-DNA position 44155, G replaced by C.
Molecular consequence: intron variant.
Genome position (GRCh38, 1-based): chr2:178,630,377, C>G on the plus strand (G>C on the coding strand, the complement: TTN is on the minus strand). VCF-style: chr2-178630377-C-G. GRCh37 (hg19) VCF-style: chr2-179495104-C-G.
Other names: c.39232-10G>C (NM_001256850.1); c.16960-10G>C (NM_003319.4); c.17536-10G>C (NM_133437.4); c.17335-10G>C (NM_133432.3); c.36451-10G>C (NM_133378.4).
Identifiers: ClinVar variation 384155 (VCV000384155.9), dbSNP rs1044877599, ClinGen allele CA16604020.